The following is an entry in ClinVar:

NM_000092.5(COL4A4):c.3488G>A (p.Gly1163Asp)

Gene: COL4A4 (collagen type IV alpha 4 chain; minus strand). Cytogenetic location: 2q36.3.
Variant type: single nucleotide variant.
Coding change: c.3488G>A on transcript NM_000092.5 (MANE Select); coding-DNA position 3488, G replaced by A.
Protein change: p.Gly1163Asp; replaces glycine 1163 with aspartic acid.
Molecular consequence: missense variant.
Genome position (GRCh38, 1-based): chr2:227,042,165, C>T on the plus strand (G>A on the coding strand, the complement: COL4A4 is on the minus strand). VCF-style: chr2-227042165-C-T. GRCh37 (hg19) VCF-style: chr2-227906881-C-T.
Other names: short protein forms G1163D.
Identifiers: ClinVar variation 1480342 (VCV001480342.7), dbSNP rs1559480099, ClinGen allele CA350838180.

ClinVar aggregate classification (germline): Pathogenic/Likely pathogenic. Review status: criteria provided, multiple submitters, no conflicts (2 of 4 stars). 2 submissions from 2 submitters: Pathogenic (1); Likely pathogenic (1). Last evaluated 2025-07-07.

Conditions:
Hematuria, benign familial, 1 (BFH1). Also called: THIN MEMBRANE NEPHROPATHY. Identifiers: MedGen CN376803, MONDO:0007709, OMIM 141200.
Autosomal recessive Alport syndrome (ATS2). Also called: COL4A3-Related Nephropathy; ALPORT SYNDROME 2, AUTOSOMAL RECESSIVE; Alport syndrome type 2; COL4A4 Alport Syndrome and Thin Basement Membrane Nephropathy. Identifiers: Orphanet 63, Orphanet 88919, MedGen C4746745, MONDO:0008762, OMIM 203780.

Submissions (2):

Labcorp Genetics (formerly Invitae), Labcorp
Classification: Pathogenic. Last evaluated: 2025-07-07. Review status: criteria provided, single submitter. Criteria: Invitae Variant Classification Sherloc (09022015). Collection method: clinical testing. Allele origin: germline.
Comment: This sequence change replaces glycine, which is neutral and non-polar, with aspartic acid, which is acidic and polar, at codon 1163 of the COL4A4 protein (p.Gly1163Asp). This variant is not present in population databases (gnomAD no frequency). This missense change has been observed in individuals with clinical features of Alport syndrome (internal data). ClinVar contains an entry for this variant (Variation ID: 1480342). Invitae Evidence Modeling of protein sequence and biophysical properties (such as structural, functional, and spatial information, amino acid conservation, physicochemical variation, residue mobility, and thermodynamic stability) indicates that this missense variant is expected to disrupt COL4A4 protein function with a positive predictive value of 95%. This variant disrupts the p.Gly1163 amino acid residue in COL4A4. Other variant(s) that disrupt this residue have been observed in individuals with COL4A4-related conditions (internal data), which suggests that this may be a clinically significant amino acid residue. For these reasons, this variant has been classified as Pathogenic.

Fulgent Genetics
Classification: Likely pathogenic for Hematuria, benign familial, 1; Autosomal recessive Alport syndrome. Last evaluated: 2024-06-04. Review status: criteria provided, single submitter. Criteria: ACMG Guidelines, 2015. Collection method: clinical testing. Allele origin: germline.